The following is an entry in ClinVar:

ClinVar aggregate classification (germline): Uncertain significance. Review status: criteria provided, multiple submitters, no conflicts (2 of 4 stars). 3 submissions from 3 submitters: Uncertain significance (3). Last evaluated 2025-05-15.

Conditions:
Hereditary nonpolyposis colorectal neoplasms. Identifiers: MedGen C0009405, MeSH D003123.
Hereditary cancer-predisposing syndrome. Also called: Neoplastic Syndromes, Hereditary; Tumor predisposition; Hereditary Cancer Syndrome; Hereditary neoplastic syndrome. Identifiers: Orphanet 140162, MedGen C0027672, MeSH D009386, MONDO:0015356.

gnomAD v4.1: 1 of 1,614,136 alleles (0.000062%); highest among the groups gnomAD compares: Non-Finnish European, 0.000085%; no homozygotes.

Submissions (3):

Ambry Genetics
Classification: Uncertain significance for Hereditary cancer-predisposing syndrome. Last evaluated: 2025-05-15. Review status: criteria provided, single submitter. Criteria: Ambry Variant Classification Scheme 2023. Collection method: clinical testing. Allele origin: germline.
Comment: The p.M662T variant (also known as c.1985T>C), located in coding exon 4 of the MSH6 gene, results from a T to C substitution at nucleotide position 1985. The methionine at codon 662 is replaced by threonine, an amino acid with similar properties. This amino acid position is well conserved in available vertebrate species. In addition, this alteration is predicted to be deleterious by in silico analysis. Based on the available evidence, the clinical significance of this variant remains unclear.

Color Diagnostics, LLC DBA Color Health
Classification: Uncertain significance for Hereditary cancer-predisposing syndrome. Last evaluated: 2023-12-05. Review status: criteria provided, single submitter. Criteria: ACMG Guidelines, 2015. Collection method: clinical testing. Allele origin: germline.
Comment: This missense variant replaces methionine with threonine at codon 662 of the MSH6 protein. Computational prediction suggests that this variant may have deleterious impact on protein structure and function (internally defined REVEL score threshold >= 0.7, PMID: 27666373). To our knowledge, functional studies have not been reported for this variant. This variant has not been reported in individuals affected with MSH6-related disorders in the literature. This variant has not been identified in the general population by the Genome Aggregation Database (gnomAD). The available evidence is insufficient to determine the role of this variant in disease conclusively. Therefore, this variant is classified as a Variant of Uncertain Significance.

Labcorp Genetics (formerly Invitae), Labcorp
Classification: Uncertain significance for Hereditary nonpolyposis colorectal neoplasms. Last evaluated: 2023-09-12. Review status: criteria provided, single submitter. Criteria: Invitae Variant Classification Sherloc (09022015). Collection method: clinical testing. Allele origin: germline.
Comment: In summary, the available evidence is currently insufficient to determine the role of this variant in disease. Therefore, it has been classified as a Variant of Uncertain Significance. Advanced modeling of protein sequence and biophysical properties (such as structural, functional, and spatial information, amino acid conservation, physicochemical variation, residue mobility, and thermodynamic stability) performed at Invitae indicates that this missense variant is not expected to disrupt MSH6 protein function. ClinVar contains an entry for this variant (Variation ID: 483823). This variant has not been reported in the literature in individuals affected with MSH6-related conditions. This variant is not present in population databases (gnomAD no frequency). This sequence change replaces methionine, which is neutral and non-polar, with threonine, which is neutral and polar, at codon 662 of the MSH6 protein (p.Met662Thr).

NM_000179.3(MSH6):c.1985T>C (p.Met662Thr)

Gene: MSH6 (mutS homolog 6; plus strand). Cytogenetic location: 2p16.3.
Variant type: single nucleotide variant.
Coding change: c.1985T>C on transcript NM_000179.3 (MANE Select); coding-DNA position 1985, T replaced by C.
Protein change: p.Met662Thr; replaces methionine 662 with threonine.
Molecular consequence: missense variant.
Genome position (GRCh38, 1-based): chr2:47,799,968, T>C. VCF-style: chr2-47799968-T-C. GRCh37 (hg19) VCF-style: chr2-48027107-T-C.
Other names: c.1595T>C, p.Met532Thr (NM_001281492.2); c.1079T>C, p.Met360Thr (NM_001281493.2, NM_001281494.2); short protein forms M662T, M360T, M532T.
Identifiers: ClinVar variation 483823 (VCV000483823.20), dbSNP rs1553413349, ClinGen allele CA346750634.